The following is an entry in ClinVar:

NM_000059.4(BRCA2):c.6013del (p.Asp2005fs)

Gene: BRCA2 (BRCA2 DNA repair associated; plus strand). Cytogenetic location: 13q13.1.
Variant type: Deletion.
Coding change: c.6013del on transcript NM_000059.4 (MANE Select); coding-DNA position 6013, one base deleted (G; older notation c.6013delG).
Protein change: p.Asp2005fs; shifts the reading frame from aspartic acid 2005.
Molecular consequence: frameshift variant. On other transcripts: non-coding transcript variant (1), intron variant (2).
Genome position (GRCh38, 1-based): chr13:32,340,368, G deleted. VCF-style (leftmost placement, unchanged base first): chr13-32340367-AG-A. GRCh37 (hg19) VCF-style: chr13-32914504-AG-A.
Other names: c.6013del, p.Asp2005fs (NM_001406719.1, NM_001406720.1, NM_001432077.1); c.1910-4190del (NM_001406721.1); c.425-4190del (NM_001406722.1); short protein forms D2005fs.
Identifiers: ClinVar variation 4856738 (VCV004856738.1).

ClinVar aggregate classification (germline): Pathogenic (1 of 4 stars; one submission).

Conditions:
Breast-ovarian cancer, familial, susceptibility to, 2 (BROVCA2). Also called: BRCA2 Hereditary Breast and Ovarian Cancer. Identifiers: Orphanet 145, MedGen C2675520, MONDO:0012933, OMIM 612555. Disease mechanism: loss of function.

Submission:

Myriad Genetics, Inc.
Classification: Pathogenic for Breast-ovarian cancer, familial, susceptibility to, 2. Last evaluated: 2026-02-10. Review status: criteria provided, single submitter. Criteria: Myriad Autosomal Dominant, Autosomal Recessive and X-Linked Classification Criteria (2023). Collection method: clinical testing. Allele origin: unknown.
Comment: This variant is considered pathogenic. This variant creates a frameshift predicted to result in premature protein truncation.